The following is an entry in ClinVar:

ClinVar aggregate classification (germline): Uncertain significance (1 of 4 stars; one submission).

Conditions:
Colorectal cancer, hereditary nonpolyposis, type 7. Identifiers: Orphanet 144, MedGen C1858380, MONDO:0013725, OMIM 614385.

gnomAD v4.1: 1 of 1,613,842 alleles (0.000062%); highest among the groups gnomAD compares: Non-Finnish European, 0.000085%; no homozygotes.

Submission:

Labcorp Genetics (formerly Invitae), Labcorp
Classification: Uncertain significance for Colorectal cancer, hereditary nonpolyposis, type 7. Last evaluated: 2023-06-09. Review status: criteria provided, single submitter. Criteria: Invitae Variant Classification Sherloc (09022015). Collection method: clinical testing. Allele origin: germline.
Comment: In summary, the available evidence is currently insufficient to determine the role of this variant in disease. Therefore, it has been classified as a Variant of Uncertain Significance. An algorithm developed to predict the effect of missense changes on protein structure and function (PolyPhen-2) suggests that this variant is likely to be tolerated. This sequence change replaces isoleucine, which is neutral and non-polar, with leucine, which is neutral and non-polar, at codon 476 of the MLH3 protein (p.Ile476Leu). This variant is not present in population databases (gnomAD no frequency). This variant has not been reported in the literature in individuals affected with MLH3-related conditions.

NM_001040108.2(MLH3):c.1426A>C (p.Ile476Leu)

Gene: MLH3 (mutL homolog 3; minus strand). Cytogenetic location: 14q24.3.
Variant type: single nucleotide variant.
Coding change: c.1426A>C on transcript NM_001040108.2 (MANE Select); coding-DNA position 1426, A replaced by C.
Protein change: p.Ile476Leu; replaces isoleucine 476 with leucine.
Molecular consequence: missense variant.
Genome position (GRCh38, 1-based): chr14:75,048,230, T>G on the plus strand (A>C on the coding strand, the complement: MLH3 is on the minus strand). VCF-style: chr14-75048230-T-G. GRCh37 (hg19) VCF-style: chr14-75514933-T-G.
Other names: c.1426A>C, p.Ile476Leu (NM_014381.3); short protein forms I476L.
Identifiers: ClinVar variation 2706508 (VCV002706508.3), dbSNP rs1027600963, ClinGen allele CA390445749.